The following is an entry in ClinVar:

ClinVar aggregate classification (germline): Uncertain significance (1 of 4 stars; one submission).

Submission:

GeneDx
Classification: Uncertain significance. Last evaluated: 2023-07-31. Review status: criteria provided, single submitter. Criteria: GeneDx Variant Classification Process June 2021. Collection method: clinical testing. Allele origin: germline. Affected: yes.
Comment: Not observed at significant frequency in large population cohorts (gnomAD); In silico analysis supports that this missense variant has a deleterious effect on protein structure/function; Has not been previously published as pathogenic or benign to our knowledge

NM_004958.4(MTOR):c.4424A>T (p.Glu1475Val)

Gene: MTOR (mechanistic target of rapamycin kinase; minus strand). Cytogenetic location: 1p36.22.
Variant type: single nucleotide variant.
Coding change: c.4424A>T on transcript NM_004958.4 (MANE Select); coding-DNA position 4424, A replaced by T.
Protein change: p.Glu1475Val; replaces glutamic acid 1475 with valine.
Molecular consequence: missense variant.
Genome position (GRCh38, 1-based): chr1:11,157,197, T>A on the plus strand (A>T on the coding strand, the complement: MTOR is on the minus strand). VCF-style: chr1-11157197-T-A. GRCh37 (hg19) VCF-style: chr1-11217254-T-A.
Other names: c.4424A>T, p.Glu1475Val (NM_001386500.1); c.3176A>T, p.Glu1059Val (NM_001386501.1); short protein forms E1059V, E1475V.
Identifiers: ClinVar variation 3361502 (VCV003361502.1).